The following is an entry in ClinVar:

ClinVar aggregate classification (germline): Uncertain significance. Review status: criteria provided, multiple submitters, no conflicts (2 of 4 stars). 2 submissions from 2 submitters: Uncertain significance (2). Last evaluated 2022-10-25.

Conditions:
Cortical dysplasia-focal epilepsy syndrome (PTHSL1). Also called: Pitt-Hopkins-like syndrome 1. Identifiers: Orphanet 163681, Orphanet 221150, MedGen C2750246, MONDO:0012400, OMIM 610042.

Submissions (2):

Revvity Omics, Revvity
Classification: Uncertain significance for Cortical dysplasia-focal epilepsy syndrome. Last evaluated: 2022-10-25. Review status: criteria provided, single submitter. Criteria: ACMG Guidelines, 2015. Collection method: clinical testing. Allele origin: germline.

Labcorp Genetics (formerly Invitae), Labcorp
Classification: Uncertain significance for Cortical dysplasia-focal epilepsy syndrome. Last evaluated: 2022-07-12. Review status: criteria provided, single submitter. Criteria: Invitae Variant Classification Sherloc (09022015). Collection method: clinical testing. Allele origin: germline.
Comment: This variant has not been reported in the literature in individuals affected with CNTNAP2-related conditions. In summary, the available evidence is currently insufficient to determine the role of this variant in disease. Therefore, it has been classified as a Variant of Uncertain Significance. Algorithms developed to predict the effect of missense changes on protein structure and function are either unavailable or do not agree on the potential impact of this missense change (SIFT: "Deleterious"; PolyPhen-2: "Benign"; Align-GVGD: "Class C65"). This variant is not present in population databases (gnomAD no frequency). This sequence change replaces threonine, which is neutral and polar, with isoleucine, which is neutral and non-polar, at codon 819 of the CNTNAP2 protein (p.Thr819Ile).

NM_014141.6(CNTNAP2):c.2456C>T (p.Thr819Ile)

Gene: CNTNAP2 (contactin associated protein 2; plus strand). Cytogenetic location: 7q35.
Variant type: single nucleotide variant.
Coding change: c.2456C>T on transcript NM_014141.6 (MANE Select); coding-DNA position 2456, C replaced by T.
Protein change: p.Thr819Ile; replaces threonine 819 with isoleucine.
Molecular consequence: missense variant.
Genome position (GRCh38, 1-based): chr7:148,118,190, C>T. VCF-style: chr7-148118190-C-T. GRCh37 (hg19) VCF-style: chr7-147815282-C-T.
Other names: short protein forms T819I.
Identifiers: ClinVar variation 2065115 (VCV002065115.7), dbSNP rs771687213, ClinGen allele CA369927315.